The following is an entry in ClinVar:

NM_015338.6(ASXL1):c.2918G>T (p.Ser973Ile)

Gene: ASXL1 (ASXL transcriptional regulator 1; plus strand). Cytogenetic location: 20q11.21.
Variant type: single nucleotide variant.
Coding change: c.2918G>T on transcript NM_015338.6 (MANE Select); coding-DNA position 2918, G replaced by T.
Protein change: p.Ser973Ile; replaces serine 973 with isoleucine.
Molecular consequence: missense variant.
Genome position (GRCh38, 1-based): chr20:32,435,630, G>T. VCF-style: chr20-32435630-G-T. GRCh37 (hg19) VCF-style: chr20-31023433-G-T.
Other names: c.2735G>T, p.Ser912Ile (NM_001363734.1); short protein forms S912I, S973I.
Identifiers: ClinVar variation 4158480 (VCV004158480.3).

ClinVar aggregate classification (germline): Uncertain significance. Review status: criteria provided, multiple submitters, no conflicts (2 of 4 stars). 2 submissions from 2 submitters: Uncertain significance (2). Last evaluated 2025-09-24.

Conditions:
Inborn genetic diseases. Identifiers: MedGen C0950123, MeSH D030342.

gnomAD v4.1: 6 of 1,614,152 alleles (0.00037%); highest among the groups gnomAD compares: Non-Finnish European, 0.00042%; no homozygotes.

Submissions (2):

Ambry Genetics
Classification: Uncertain significance for Inborn genetic diseases. Last evaluated: 2025-09-24. Review status: criteria provided, single submitter. Criteria: Ambry Variant Classification Scheme 2023. Collection method: clinical testing. Allele origin: germline.

Labcorp Genetics (formerly Invitae), Labcorp
Classification: Uncertain significance. Last evaluated: 2025-09-03. Review status: criteria provided, single submitter. Criteria: Invitae Variant Classification Sherloc (09022015). Collection method: clinical testing. Allele origin: germline.
Comment: This sequence change replaces serine, which is neutral and polar, with isoleucine, which is neutral and non-polar, at codon 973 of the ASXL1 protein (p.Ser973Ile). This variant is not present in population databases (gnomAD no frequency). This variant has not been reported in the literature in individuals affected with ASXL1-related conditions. An algorithm developed to predict the effect of missense changes on protein structure and function (PolyPhen-2) suggests that this variant is likely to be tolerated. Algorithms developed to predict the effect of sequence changes on RNA splicing suggest that this variant may create or strengthen a splice site. In summary, the available evidence is currently insufficient to determine the role of this variant in disease. Therefore, it has been classified as a Variant of Uncertain Significance.